The following is an entry in ClinVar:

NM_003001.5(SDHC):c.59C>T (p.Pro20Leu)

Gene: SDHC (succinate dehydrogenase complex subunit C; plus strand). Cytogenetic location: 1q23.3.
Variant type: single nucleotide variant.
Coding change: c.59C>T on transcript NM_003001.5 (MANE Select); coding-DNA position 59, C replaced by T.
Protein change: p.Pro20Leu; replaces proline 20 with leucine.
Molecular consequence: missense variant. On other transcripts: 5 prime UTR variant (2), non-coding transcript variant (1), intron variant (4).
Genome position (GRCh38, 1-based): chr1:161,323,652, C>T. VCF-style: chr1-161323652-C-T. GRCh37 (hg19) VCF-style: chr1-161293442-C-T.
Other names: c.59C>T, p.Pro20Leu (NM_001035511.3, NM_001035512.3, NM_001278172.3 and 2 more transcripts); c.-53C>T (NM_001407119.1); c.-171C>T (NM_001407120.1); c.21-4744C>T (NM_001407116.1, NM_001407121.1, NM_001407117.1); c.20+9227C>T (NM_001035513.3); short protein forms P20L.
Identifiers: ClinVar variation 5029313 (VCV005029313.1).

ClinVar aggregate classification (germline): Uncertain significance (1 of 4 stars; one submission).

Conditions:
Hereditary cancer-predisposing syndrome. Also called: Neoplastic Syndromes, Hereditary; Tumor predisposition; Hereditary neoplastic syndrome; Hereditary Cancer Syndrome. Identifiers: Orphanet 140162, MedGen C0027672, MeSH D009386, MONDO:0015356.

Submission:

Ambry Genetics
Classification: Uncertain significance for Hereditary cancer-predisposing syndrome. Last evaluated: 2026-07-06. Review status: criteria provided, single submitter. Criteria: Ambry Variant Classification Scheme 2023. Collection method: clinical testing. Allele origin: germline.
Comment: The p.P20L variant (also known as c.59C>T), located in coding exon 2 of the SDHC gene, results from a C to T substitution at nucleotide position 59. The proline at codon 20 is replaced by leucine, an amino acid with similar properties. This amino acid position is conserved. In addition, the in silico prediction for this alteration is inconclusive. Based on the available evidence, the clinical significance of this variant remains unclear.